The following is an entry in ClinVar:

ClinVar aggregate classification (germline): Uncertain significance. Review status: criteria provided, multiple submitters, no conflicts (2 of 4 stars). 2 submissions from 2 submitters: Uncertain significance (2). Last evaluated 2026-08-22.

Conditions:
BAP1-related tumor predisposition syndrome (TPDS1). Also called: COMMON Syndrome; TUMOR PREDISPOSITION SYNDROME 1; BAP1 tumor predisposition syndrome; Tumor susceptibility linked to germline BAP1 mutations. Identifiers: Orphanet 289539, MedGen C3280492, MONDO:0013692, OMIM 614327.
Hereditary cancer-predisposing syndrome. Also called: Hereditary Cancer Syndrome; Hereditary neoplastic syndrome; Neoplastic Syndromes, Hereditary; Tumor predisposition. Identifiers: Orphanet 140162, MedGen C0027672, MeSH D009386, MONDO:0015356.

Allele frequency attached by ClinVar (database versions not stated): gnomAD exomes below 0.00001.

Submissions (2):

Ambry Genetics
Classification: Uncertain significance for Hereditary cancer-predisposing syndrome. Last evaluated: 2026-08-22. Review status: criteria provided, single submitter. Criteria: Ambry Variant Classification Scheme 2023. Collection method: clinical testing. Allele origin: germline.
Comment: The p.S609N variant (also known as c.1826G>A), located in coding exon 14 of the BAP1 gene, results from a G to A substitution at nucleotide position 1826. The serine at codon 609 is replaced by asparagine, an amino acid with highly similar properties. This amino acid position is conserved. In addition, this alteration is predicted to be tolerated by in silico analysis. Based on the available evidence, the clinical significance of this variant remains unclear.

Labcorp Genetics (formerly Invitae), Labcorp
Classification: Uncertain significance for BAP1-related tumor predisposition syndrome. Last evaluated: 2023-05-05. Review status: criteria provided, single submitter. Criteria: Invitae Variant Classification Sherloc (09022015). Collection method: clinical testing. Allele origin: germline.
Comment: Advanced modeling of protein sequence and biophysical properties (such as structural, functional, and spatial information, amino acid conservation, physicochemical variation, residue mobility, and thermodynamic stability) performed at Invitae indicates that this missense variant is not expected to disrupt BAP1 protein function. In summary, the available evidence is currently insufficient to determine the role of this variant in disease. Therefore, it has been classified as a Variant of Uncertain Significance. This variant has not been reported in the literature in individuals affected with BAP1-related conditions. This variant is not present in population databases (gnomAD no frequency). This sequence change replaces serine, which is neutral and polar, with asparagine, which is neutral and polar, at codon 609 of the BAP1 protein (p.Ser609Asn).

NM_004656.4(BAP1):c.1826G>A (p.Ser609Asn)

Gene: BAP1 (BRCA1 associated deubiquitinase 1; minus strand). Cytogenetic location: 3p21.1.
Variant type: single nucleotide variant.
Coding change: c.1826G>A on transcript NM_004656.4 (MANE Select); coding-DNA position 1826, G replaced by A.
Protein change: p.Ser609Asn; replaces serine 609 with asparagine.
Molecular consequence: missense variant.
Genome position (GRCh38, 1-based): chr3:52,403,202, C>T on the plus strand (G>A on the coding strand, the complement: BAP1 is on the minus strand). VCF-style: chr3-52403202-C-T. GRCh37 (hg19) VCF-style: chr3-52437218-C-T.
Other names: c.1772G>A, p.Ser591Asn (NM_001410772.1); short protein forms S609N, S591N.
Identifiers: ClinVar variation 3018142 (VCV003018142.4), dbSNP rs2153226467, ClinGen allele CA353098413.